The following is an entry in ClinVar:

ClinVar aggregate classification (germline): Uncertain significance. Review status: criteria provided, multiple submitters, no conflicts (2 of 4 stars). 4 submissions from 4 submitters: Uncertain significance (4). Last evaluated 2025-04-22.

Conditions:
VPS13B-related disorder. Also called: VPS13B-related condition.
Inborn genetic diseases. Identifiers: MedGen C0950123, MeSH D030342.
Cohen syndrome (COH1). Also called: PEPPER SYNDROME; Cutis verticis gyrata, retinitis pigmentosa, and sensorineural deafness. Identifiers: Orphanet 193, MedGen C0265223, MONDO:0008999, OMIM 216550.

Allele frequency attached by ClinVar (database versions not stated): gnomAD exomes below 0.00001; ExAC 0.00001; gnomAD 0.00001; TOPMed 0.00002.
gnomAD v4.1: 20 of 1,613,848 alleles (0.0012%); highest among the groups gnomAD compares: Admixed American, 0.0017%; no homozygotes.

Submissions (4):

PreventionGenetics, part of Exact Sciences
Classification: Uncertain significance for VPS13B-related condition. Last evaluated: 2025-04-22. Review status: criteria provided, single submitter. Criteria: ACMG Guidelines, 2015. Collection method: clinical testing. Allele origin: germline.
Comment: The VPS13B c.1753C>T variant is predicted to result in the amino acid substitution p.Arg585Cys. To our knowledge, this variant has not been reported in the literature. This variant is reported in 0.00088% of alleles in individuals of European (Non-Finnish) descent in gnomAD. At this time, the clinical significance of this variant is uncertain due to the absence of conclusive functional and genetic evidence.

Ambry Genetics
Classification: Uncertain significance for Inborn genetic diseases. Last evaluated: 2024-04-08. Review status: criteria provided, single submitter. Criteria: Ambry Variant Classification Scheme 2023. Collection method: clinical testing. Allele origin: germline.

Labcorp Genetics (formerly Invitae), Labcorp
Classification: Uncertain significance for Cohen syndrome. Last evaluated: 2024-03-16. Review status: criteria provided, single submitter. Criteria: Invitae Variant Classification Sherloc (09022015). Collection method: clinical testing. Allele origin: germline.
Comment: This sequence change replaces arginine, which is basic and polar, with cysteine, which is neutral and slightly polar, at codon 585 of the VPS13B protein (p.Arg585Cys). This variant is present in population databases (rs769956475, gnomAD 0.0009%). This variant has not been reported in the literature in individuals affected with VPS13B-related conditions. ClinVar contains an entry for this variant (Variation ID: 437237). Advanced modeling of protein sequence and biophysical properties (such as structural, functional, and spatial information, amino acid conservation, physicochemical variation, residue mobility, and thermodynamic stability) performed at Invitae indicates that this missense variant is expected to disrupt VPS13B protein function with a positive predictive value of 80%. In summary, the available evidence is currently insufficient to determine the role of this variant in disease. Therefore, it has been classified as a Variant of Uncertain Significance.

Genetic Services Laboratory, University of Chicago
Classification: Uncertain significance. Last evaluated: 2015-11-19. Review status: criteria provided, single submitter. Criteria: ACMG Guidelines, 2015. Collection method: clinical testing. Allele origin: germline. Affected: no.

NM_152564.5(VPS13B):c.1753C>T (p.Arg585Cys)

Gene: VPS13B (vacuolar protein sorting 13 homolog B; plus strand). Cytogenetic location: 8q22.2.
Variant type: single nucleotide variant.
Coding change: c.1753C>T on transcript NM_152564.5 (MANE Select); coding-DNA position 1753, C replaced by T.
Protein change: p.Arg585Cys; replaces arginine 585 with cysteine.
Molecular consequence: missense variant.
Genome position (GRCh38, 1-based): chr8:99,143,075, C>T. VCF-style: chr8-99143075-C-T. GRCh37 (hg19) VCF-style: chr8-100155303-C-T.
Other names: c.1753C>T, p.Arg585Cys (NM_015243.3, NM_017890.5); c.1753C>T (NM_152564.4, NM_017890.3); short protein forms R585C.
Identifiers: ClinVar variation 437237 (VCV000437237.13), dbSNP rs769956475, ClinGen allele CA4822730.
Genomic context (GRCh38, chr8:99,143,075, plus strand): 5'-GATTTGGGAACAGTTCAGGAGAAGTCCACCAAAAGCCTTGTTATAGGTCCTCTTGATTTT[C>T]GTTTGGATAGCAGTGCGGTGCATAGGATTTTGAAAATGATTGTGTGTGCCTTGGAACATG-3'
Protein context (NP_689777.3, residues 575-595): KSLVIGPLDF[Arg585Cys]LDSSAVHRIL